The following is an entry in ClinVar:

NM_024420.3(PLA2G4A):c.1310_1312del (p.Ser437_Asp438delinsAsn)

Genes: PLA2G4A (phospholipase A2 group IVA; plus strand), LOC129388668 (MPRA-validated peak520 silencer; plus strand). Cytogenetic location: 1q31.1.
Variant type: Deletion.
Coding change: c.1310_1312del on transcript NM_024420.3 (MANE Select); coding-DNA positions 1310 to 1312, 3 bases deleted (GTG; older notation c.1310_1312delGTG).
Protein change: p.Ser437_Asp438delinsAsn.
Molecular consequence: inframe indel.
Genome position (GRCh38, 1-based): chr1:186,950,702-186,950,704, GTG deleted. VCF-style (leftmost placement, unchanged base first): chr1-186950701-AGTG-A. GRCh37 (hg19) VCF-style: chr1-186919833-AGTG-A.
Other names: c.1130_1132del, p.Ser377_Asp378delinsAsn (NM_001311193.2).
Identifiers: ClinVar variation 2885878 (VCV002885878.1), dbSNP rs769073411, ClinGen allele CA1300188.

ClinVar aggregate classification (germline): Uncertain significance (1 of 4 stars; one submission).

Allele frequency attached by ClinVar (database versions not stated): gnomAD exomes 0.00001; TOPMed 0.00001; ExAC 0.00005.

Submission:

Labcorp Genetics (formerly Invitae), Labcorp
Classification: Uncertain significance. Last evaluated: 2023-08-11. Review status: criteria provided, single submitter. Criteria: Invitae Variant Classification Sherloc (09022015). Collection method: clinical testing. Allele origin: germline.
Comment: This variant, c.1310_1312del, is a complex sequence change that results in the deletion of 2 and insertion of 1 amino acid(s) in the PLA2G4A protein (p.Ser437_Asp438delinsAsn). This variant is present in population databases (rs769073411, gnomAD 0.06%). This variant has not been reported in the literature in individuals affected with PLA2G4A-related conditions. Experimental studies and prediction algorithms are not available or were not evaluated, and the functional significance of this variant is currently unknown. In summary, the available evidence is currently insufficient to determine the role of this variant in disease. Therefore, it has been classified as a Variant of Uncertain Significance.